The following is an entry in ClinVar:

ClinVar aggregate classification (germline): Uncertain significance (1 of 4 stars; one submission).

Allele frequency attached by ClinVar (database versions not stated): ExAC 0.00002; gnomAD exomes 0.00002 and 0.00003; gnomAD 0.00010 and 0.00011; TOPMed 0.00017; ESP Exome Variant Server 0.00031.
gnomAD v4.1: 42 of 1,600,822 alleles (0.0026%); highest among the groups gnomAD compares: African/African-American, 0.051%; no homozygotes.

Submission:

Labcorp Genetics (formerly Invitae), Labcorp
Classification: Uncertain significance. Last evaluated: 2023-12-18. Review status: criteria provided, single submitter. Criteria: Invitae Variant Classification Sherloc (09022015). Collection method: clinical testing. Allele origin: germline.
Comment: This sequence change replaces threonine, which is neutral and polar, with proline, which is neutral and non-polar, at codon 20 of the C9 protein (p.Thr20Pro). This variant is present in population databases (rs35431875, gnomAD 0.04%). This variant has not been reported in the literature in individuals affected with C9-related conditions. ClinVar contains an entry for this variant (Variation ID: 1407297). An algorithm developed to predict the effect of missense changes on protein structure and function (PolyPhen-2) suggests that this variant¬†is likely to be tolerated. In summary, the available evidence is currently insufficient to determine the role of this variant in disease. Therefore, it has been classified as a Variant of Uncertain Significance.

NM_001737.5(C9):c.58A>C (p.Thr20Pro)

Gene: C9 (complement C9; minus strand). Cytogenetic location: 5p13.1.
Variant type: single nucleotide variant.
Coding change: c.58A>C on transcript NM_001737.5 (MANE Select); coding-DNA position 58, A replaced by C.
Protein change: p.Thr20Pro; replaces threonine 20 with proline.
Molecular consequence: missense variant.
Genome position (GRCh38, 1-based): chr5:39,364,407, T>G on the plus strand (A>C on the coding strand, the complement: C9 is on the minus strand). VCF-style: chr5-39364407-T-G. GRCh37 (hg19) VCF-style: chr5-39364509-T-G.
Other names: short protein forms T20P.
Identifiers: ClinVar variation 1407297 (VCV001407297.4), dbSNP rs35431875, ClinGen allele CA3247168.
Genomic context (GRCh38, chr5:39,364,407, plus strand): 5'-CAGGAAACTTCCAGAGACAAGCAGAAAAGTAACTGACTCACCTGGTCGTGTACTGTGCTG[T>G]GAGGATGCTTATTTCTAAAATGCAGATTGCAACTGCAAAGCTCCGGCAGGCTGACATGCT-3'
Protein context (NP_001728.1, residues 10-30): AICILEISIL[Thr20Pro]AQYTTSYDPE